The following is an entry in ClinVar:

NM_002460.4(IRF4):c.751C>T (p.Arg251Trp)

Gene: IRF4 (interferon regulatory factor 4; plus strand). Cytogenetic location: 6p25.3.
Variant type: single nucleotide variant.
Coding change: c.751C>T on transcript NM_002460.4 (MANE Select); coding-DNA position 751, C replaced by T.
Protein change: p.Arg251Trp; replaces arginine 251 with tryptophan.
Molecular consequence: missense variant. On other transcripts: non-coding transcript variant (1).
Genome position (GRCh38, 1-based): chr6:401,429, C>T. VCF-style: chr6-401429-C-T. GRCh37 (hg19) VCF-style: chr6-401429-C-T.
Other names: c.748C>T, p.Arg250Trp (NM_001195286.2); short protein forms R250W, R251W.
Identifiers: ClinVar variation 1717209 (VCV001717209.5), dbSNP rs2480824705, ClinGen allele CA362548588.

ClinVar aggregate classification (germline): Uncertain significance (1 of 4 stars; one submission).

Allele frequency attached by ClinVar (database versions not stated): gnomAD exomes below 0.00001.

Submission:

Labcorp Genetics (formerly Invitae), Labcorp
Classification: Uncertain significance. Last evaluated: 2022-07-17. Review status: criteria provided, single submitter. Criteria: Invitae Variant Classification Sherloc (09022015). Collection method: clinical testing. Allele origin: germline.
Comment: This variant is not present in population databases (gnomAD no frequency). This variant has not been reported in the literature in individuals affected with IRF4-related conditions. Algorithms developed to predict the effect of missense changes on protein structure and function (SIFT, PolyPhen-2, Align-GVGD) all suggest that this variant is likely to be disruptive. In summary, the available evidence is currently insufficient to determine the role of this variant in disease. Therefore, it has been classified as a Variant of Uncertain Significance. This sequence change replaces arginine, which is basic and polar, with tryptophan, which is neutral and slightly polar, at codon 251 of the IRF4 protein (p.Arg251Trp).